The following is an entry in ClinVar:

ClinVar aggregate classification (germline): Uncertain significance (1 of 4 stars; one submission).

Conditions:
Hypertrophic cardiomyopathy. Also called: HYPERTROPHIC MYOCARDIOPATHY. Identifiers: Orphanet 217569, MedGen C0007194, MeSH D002312, MONDO:0005045, HP:0001639.

Submission:

Labcorp Genetics (formerly Invitae), Labcorp
Classification: Uncertain significance for Hypertrophic cardiomyopathy. Last evaluated: 2025-10-06. Review status: criteria provided, single submitter. Criteria: Invitae Variant Classification Sherloc (09022015). Collection method: clinical testing. Allele origin: germline.
Comment: This sequence change replaces proline, which is neutral and non-polar, with leucine, which is neutral and non-polar, at codon 87 of the MYL3 protein (p.Pro87Leu). This variant is not present in population databases (gnomAD no frequency). This variant has not been reported in the literature in individuals affected with MYL3-related conditions. An algorithm developed to predict the effect of missense changes on protein structure and function (PolyPhen-2) suggests that this variant is likely to be disruptive. In summary, the available evidence is currently insufficient to determine the role of this variant in disease. Therefore, it has been classified as a Variant of Uncertain Significance.

NM_000258.3(MYL3):c.260C>T (p.Pro87Leu)

Gene: MYL3 (myosin light chain 3; minus strand). Cytogenetic location: 3p21.31.
Variant type: single nucleotide variant.
Coding change: c.260C>T on transcript NM_000258.3 (MANE Select); coding-DNA position 260, C replaced by T.
Protein change: p.Pro87Leu; replaces proline 87 with leucine.
Molecular consequence: missense variant.
Genome position (GRCh38, 1-based): chr3:46,860,723, G>A on the plus strand (C>T on the coding strand, the complement: MYL3 is on the minus strand). VCF-style: chr3-46860723-G-A. GRCh37 (hg19) VCF-style: chr3-46902213-G-A.
Other names: c.260C>T, p.Pro87Leu (NM_001406937.1, NM_001406938.1, NM_001406939.1); c.86C>T, p.Pro29Leu (NM_001406940.1, NM_001406941.1); short protein forms P29L, P87L.
Identifiers: ClinVar variation 4728544 (VCV004728544.1).